The following is an entry in ClinVar:

ClinVar aggregate classification (germline): Benign (1 of 4 stars; one submission).

Conditions:
Frontotemporal dementia and/or amyotrophic lateral sclerosis 1 (FTDALS1). Also called: Frontotemporal dementia with motor neuron disease 1; C9orf72 Frontotemporal Dementia and/or Amyotrophic Lateral Sclerosis. Identifiers: Orphanet 275872, MedGen C5779877, MONDO:0007105, OMIM 105550.

Allele frequency attached by ClinVar (database versions not stated): 1000 Genomes Project 0.00140; 1000 Genomes Project 30x 0.00156; TOPMed 0.00184; gnomAD 0.00203 and 0.00205; gnomAD exomes 0.00469.
gnomAD v4.1: 313 of 152,620 alleles (0.21%); highest among the groups gnomAD compares: Non-Finnish European, 0.33%; 2 homozygotes.

Submission:

Illumina Laboratory Services, Illumina
Classification: Benign for Frontotemporal dementia and/or amyotrophic lateral sclerosis 1. Last evaluated: 2018-01-12. Review status: criteria provided, single submitter. Criteria: ICSL Variant Classification Criteria 13 December 2019. Collection method: clinical testing. Allele origin: germline.
Comment: This variant was observed in the ICSL laboratory as part of a predisposition screen in an ostensibly healthy population. It had not been previously curated by ICSL or reported in the Human Gene Mutation Database (HGMD: prior to June 1st, 2018), and was therefore a candidate for classification through an automated scoring system. Utilizing variant allele frequency, disease prevalence and penetrance estimates, and inheritance mode, an automated score was calculated to assess if this variant is too frequent to cause the disease. Based on the score and internal cut-off values, a variant classified as benign is not then subjected to further curation. The score for this variant resulted in a classification of benign for this disease.

NM_018325.5(C9orf72):c.*1058G>T

Gene: C9orf72 (C9orf72-SMCR8 complex subunit; minus strand). Cytogenetic location: 9p21.2.
Variant type: single nucleotide variant.
Coding change: c.*1058G>T on transcript NM_018325.5 (MANE Select); 1058 bases downstream of the stop codon, G replaced by T.
Molecular consequence: 3 prime UTR variant.
Genome position (GRCh38, 1-based): chr9:27,547,178, C>A on the plus strand (G>T on the coding strand, the complement: C9orf72 is on the minus strand). VCF-style: chr9-27547178-C-A. GRCh37 (hg19) VCF-style: chr9-27547176-C-A.
Other names: c.*1058G>T (NM_001256054.3).
Identifiers: ClinVar variation 366488 (VCV000366488.5), dbSNP rs41272887, ClinGen allele CA10633423.